The following is an entry in ClinVar:

ClinVar aggregate classification (germline): Pathogenic (1 of 4 stars; one submission).

Submission:

Labcorp Genetics (formerly Invitae), Labcorp
Classification: Pathogenic. Last evaluated: 2025-02-16. Review status: criteria provided, single submitter. Criteria: Invitae Variant Classification Sherloc (09022015). Collection method: clinical testing. Allele origin: germline.
Comment: This sequence change creates a premature translational stop signal (p.Ala495Profs*9) in the C2 gene. It is expected to result in an absent or disrupted protein product. Loss-of-function variants in C2 are known to be pathogenic (PMID: 1577763, 9616367). Information on the frequency of this variant in the gnomAD database is not available, as this variant may be reported differently in the database. This premature translational stop signal has been observed in individual(s) with complement deficiency (PMID: 31440263). For these reasons, this variant has been classified as Pathogenic.

Literature cited by the submitters: PubMed 1577763; PubMed 9616367; PubMed 31440263.

NM_000063.6(C2):c.1482_1483delinsC (p.Ala495fs)

Gene: C2 (complement C2; plus strand). Cytogenetic location: 6p21.33.
Variant type: Indel.
Coding change: c.1482_1483delinsC on transcript NM_000063.6 (MANE Select); coding-DNA positions 1482 to 1483, GG replaced by C.
Protein change: p.Ala495fs; shifts the reading frame from alanine 495.
Molecular consequence: frameshift variant.
Genome position (GRCh38, 1-based): chr6:31,943,442-31,943,443, GG replaced by C. VCF-style: chr6-31943442-GG-C. GRCh37 (hg19) VCF-style: chr6-31911219-GG-C.
Other names: c.1086_1087delinsC, p.Ala363fs (NM_001145903.3); c.840_841delinsC, p.Ala281fs (NM_001178063.3); c.744_745delinsC, p.Ala249fs (NM_001282457.2); c.1395_1396delinsC, p.Ala466fs (NM_001282458.2); short protein forms A249fs, A495fs, A466fs, A281fs, A363fs.
Identifiers: ClinVar variation 636724 (VCV000636724.2), dbSNP rs1582119130, ClinGen allele CA915944204.
Genomic context (GRCh38, chr6:31,943,442, plus strand): 5'-CTGCAATCTCTGAAAATCACCTGTTCCCCTGCAGCCCAAGAGCCAAGAGACCTGCCGGGG[GG>C]CCCTCATCTCCGACCAATGGGTCCTGACAGCAGCTCATTGCTTCCGCGATGGCAACGACC-3'